The following is an entry in ClinVar:

ClinVar aggregate classification (germline): Uncertain significance (1 of 4 stars; one submission).

Conditions:
MCPH1-related disorder. Also called: MCPH1-related condition.

gnomAD v4.1: 14 of 1,614,084 alleles (0.00087%); highest among the groups gnomAD compares: African/African-American, 0.017%; no homozygotes.

Submission:

PreventionGenetics, part of Exact Sciences
Classification: Uncertain significance for MCPH1-related condition. Last evaluated: 2026-06-22. Review status: criteria provided, single submitter. Criteria: ACMG Guidelines, 2015. Collection method: clinical testing. Allele origin: germline.
Comment: The MCPH1 c.2233C>T variant is predicted to result in the amino acid substitution p.His745Tyr. To our knowledge, this variant has not been reported in the literature. This variant is reported in 0.025% of alleles in individuals of African descent in gnomAD. At this time, the clinical significance of this variant is uncertain due to the absence of conclusive functional and genetic evidence.

NM_024596.5(MCPH1):c.2233C>T (p.His745Tyr)

Genes: MCPH1 (microcephalin 1; plus strand), MCPH1-AS1 (MCPH1 antisense RNA 1; minus strand). Cytogenetic location: 8p23.1.
Variant type: single nucleotide variant.
Coding change: c.2233C>T on transcript NM_024596.5 (MANE Select); coding-DNA position 2233, C replaced by T.
Protein change: p.His745Tyr; replaces histidine 745 with tyrosine.
Molecular consequence: missense variant. On other transcripts: non-coding transcript variant (1).
Genome position (GRCh38, 1-based): chr8:6,621,472, C>T. VCF-style: chr8-6621472-C-T. GRCh37 (hg19) VCF-style: chr8-6478993-C-T.
Other names: c.2233C>T, p.His745Tyr (NM_001322042.2, NM_001363979.1, NM_001410917.1); c.1954C>T, p.His652Tyr (NM_001363980.2); short protein forms H745Y, H652Y.
Identifiers: ClinVar variation 4986770 (VCV004986770.1).